The following is an entry in ClinVar:

ClinVar aggregate classification (germline): Uncertain significance (1 of 4 stars; one submission).

Submission:

Labcorp Genetics (formerly Invitae), Labcorp
Classification: Uncertain significance. Last evaluated: 2023-07-10. Review status: criteria provided, single submitter. Criteria: Invitae Variant Classification Sherloc (09022015). Collection method: clinical testing. Allele origin: germline.
Comment: In summary, the available evidence is currently insufficient to determine the role of this variant in disease. Therefore, it has been classified as a Variant of Uncertain Significance. Algorithms developed to predict the effect of sequence changes on RNA splicing suggest that this variant may disrupt the consensus splice site. ClinVar contains an entry for this variant (Variation ID: 1481311). This variant has not been reported in the literature in individuals affected with PLAA-related conditions. This variant is not present in population databases (gnomAD no frequency). This sequence change affects a splice site in intron 3 of the PLAA gene. It is expected to disrupt RNA splicing. Variants that disrupt the donor or acceptor splice site typically lead to a loss of protein function (PMID: 16199547), however the current clinical and genetic evidence is not sufficient to establish whether loss-of-function variants in PLAA cause disease.

Literature cited by the submitters: PubMed 16199547.

NM_001031689.3(PLAA):c.445-2_445-1del

Gene: PLAA (phospholipase A2 activating protein; minus strand). Cytogenetic location: 9p21.2.
Variant type: Deletion.
Coding change: c.445-2_445-1del on transcript NM_001031689.3 (MANE Select); the canonical splice acceptor site of the intron before coding-DNA position 445, 2 bases deleted (AG; older notation c.445-2_445-1delAG).
Molecular consequence: splice acceptor variant.
Genome position (GRCh38, 1-based): chr9:26,928,221-26,928,222, CT deleted on the plus strand (AG on the coding strand, the reverse complement: PLAA is on the minus strand). VCF-style (leftmost placement, unchanged base first): chr9-26928220-CCT-C. GRCh37 (hg19) VCF-style: chr9-26928218-CCT-C.
Other names: c.445-2_445-1del (NM_001321546.2).
Identifiers: ClinVar variation 1481311 (VCV001481311.8), dbSNP rs2131397299, ClinGen allele CA2573143683.